The following is an entry in ClinVar:

NM_006005.3(WFS1):c.1669C>T (p.Leu557Phe)

Gene: WFS1 (wolframin ER transmembrane glycoprotein; plus strand). Cytogenetic location: 4p16.1.
Variant type: single nucleotide variant.
Coding change: c.1669C>T on transcript NM_006005.3 (MANE Select); coding-DNA position 1669, C replaced by T.
Protein change: p.Leu557Phe; replaces leucine 557 with phenylalanine.
Molecular consequence: missense variant.
Genome position (GRCh38, 1-based): chr4:6,301,464, C>T. VCF-style: chr4-6301464-C-T. GRCh37 (hg19) VCF-style: chr4-6303191-C-T.
Other names: c.1669C>T, p.Leu557Phe (NM_001145853.1); short protein forms L557F.
Identifiers: ClinVar variation 2203524 (VCV002203524.4), dbSNP rs745502742, ClinGen allele CA2839436.

ClinVar aggregate classification (germline): Uncertain significance (1 of 4 stars; one submission).

Allele frequency attached by ClinVar (database versions not stated): gnomAD 0.00001; ExAC 0.00003.
gnomAD v4.1: 26 of 1,612,614 alleles (0.0016%); highest among the groups gnomAD compares: African/African-American, 0.0053%; no homozygotes.

Submission:

Labcorp Genetics (formerly Invitae), Labcorp
Classification: Uncertain significance. Last evaluated: 2025-05-05. Review status: criteria provided, single submitter. Criteria: Invitae Variant Classification Sherloc (09022015). Collection method: clinical testing. Allele origin: germline.
Comment: This sequence change replaces leucine, which is neutral and non-polar, with phenylalanine, which is neutral and non-polar, at codon 557 of the WFS1 protein (p.Leu557Phe). This variant is present in population databases (rs745502742, gnomAD 0.01%). This missense change has been observed in individual(s) with WFS1-related conditions (PMID: 17492394). ClinVar contains an entry for this variant (Variation ID: 2203524). Invitae Evidence Modeling of protein sequence and biophysical properties (such as structural, functional, and spatial information, amino acid conservation, physicochemical variation, residue mobility, and thermodynamic stability) indicates that this missense variant is not expected to disrupt WFS1 protein function with a negative predictive value of 80%. In summary, the available evidence is currently insufficient to determine the role of this variant in disease. Therefore, it has been classified as a Variant of Uncertain Significance.

Literature cited by the submitters: PubMed 17492394.